The following is an entry in ClinVar:

NM_022455.5(NSD1):c.4764A>G (p.Thr1588=)

Gene: NSD1 (nuclear receptor binding SET domain protein 1; plus strand). Cytogenetic location: 5q35.3.
Variant type: single nucleotide variant.
Coding change: c.4764A>G on transcript NM_022455.5 (MANE Select); coding-DNA position 4764, A replaced by G.
Protein change: p.Thr1588=; no amino-acid change (threonine 1588 retained).
Molecular consequence: synonymous variant.
Genome position (GRCh38, 1-based): chr5:177,251,852, A>G. VCF-style: chr5-177251852-A-G. GRCh37 (hg19) VCF-style: chr5-176678853-A-G.
Other names: c.3891A>G, p.Thr1297= (NM_001365684.2, NM_001409306.1, NM_001409307.1 and 3 more transcripts); c.4764A>G, p.Thr1588= (NM_001409301.1, NM_001409302.1, NM_001409303.1); c.4344A>G, p.Thr1448= (NM_001409304.1); c.4011A>G, p.Thr1337= (NM_001409305.1).
Identifiers: ClinVar variation 2165155 (VCV002165155.4), dbSNP rs2480642606, ClinGen allele CA447725939.

ClinVar aggregate classification (germline): Uncertain significance (1 of 4 stars; one submission).

Allele frequency attached by ClinVar (database versions not stated): gnomAD exomes below 0.00001.
gnomAD v4.1: 1 of 1,614,228 alleles (0.000062%); highest among the groups gnomAD compares: Non-Finnish European, 0.000085%; no homozygotes.

Submission:

Labcorp Genetics (formerly Invitae), Labcorp
Classification: Uncertain significance. Last evaluated: 2022-11-22. Review status: criteria provided, single submitter. Criteria: Invitae Variant Classification Sherloc (09022015). Collection method: clinical testing. Allele origin: germline.
Comment: In summary, the available evidence is currently insufficient to determine the role of this variant in disease. Therefore, it has been classified as a Variant of Uncertain Significance. This sequence change affects codon 1588 of the NSD1 mRNA. It is a 'silent' change, meaning that it does not change the encoded amino acid sequence of the NSD1 protein. It affects a nucleotide within the consensus splice site. This variant is not present in population databases (gnomAD no frequency). This variant has not been reported in the literature in individuals affected with NSD1-related conditions. Algorithms developed to predict the effect of sequence changes on RNA splicing suggest that this variant may disrupt the consensus splice site.